The following is an entry in ClinVar:

NM_032119.4(ADGRV1):c.6174A>T (p.Ile2058=)

Gene: ADGRV1 (adhesion G protein-coupled receptor V1; plus strand). Cytogenetic location: 5q14.3.
Variant type: single nucleotide variant.
Coding change: c.6174A>T on transcript NM_032119.4 (MANE Select); coding-DNA position 6174, A replaced by T.
Protein change: p.Ile2058=; no amino-acid change (isoleucine 2058 retained).
Molecular consequence: synonymous variant. On other transcripts: non-coding transcript variant (1).
Genome position (GRCh38, 1-based): chr5:90,684,095, A>T. VCF-style: chr5-90684095-A-T. GRCh37 (hg19) VCF-style: chr5-89979912-A-T.
Other names: c.6174A>T (NM_032119.3).
Identifiers: ClinVar variation 1117212 (VCV001117212.13), dbSNP rs370197017, ClinGen allele CA3339717.

ClinVar aggregate classification (germline): Likely benign. Review status: criteria provided, multiple submitters, no conflicts (2 of 4 stars). 5 submissions from 5 submitters: Likely benign (2). 3 of the submissions do not count toward it. Last evaluated 2025-03-17.

Conditions:
ADGRV1-related disorder. Also called: ADGRV1-related condition; ADGRV1-related disorders.

Allele frequency attached by ClinVar (database versions not stated): ExAC 0.00002; gnomAD exomes 0.00003 and 0.00005; TOPMed 0.00005; gnomAD 0.00007; ESP Exome Variant Server 0.00017.
gnomAD v4.1: 86 of 1,613,820 alleles (0.0053%); highest among the groups gnomAD compares: Non-Finnish European, 0.0071%; no homozygotes.

Submissions (5):

Labcorp Genetics (formerly Invitae), Labcorp
Classification: Likely benign. Last evaluated: 2025-03-17. Review status: criteria provided, single submitter. Criteria: Invitae Variant Classification Sherloc (09022015). Collection method: clinical testing. Allele origin: germline.

Blueprint Genetics
Classification: Likely benign. Last evaluated: 2024-09-30. Review status: criteria provided, single submitter. Criteria: ACMG Guidelines, 2015. Collection method: clinical testing. Allele origin: germline.

PreventionGenetics, part of Exact Sciences
Classification: Likely benign for ADGRV1-related condition. Last evaluated: 2024-08-25. Review status: no assertion criteria provided. Collection method: clinical testing. Allele origin: germline. Not counted in ClinVar's aggregate classification.
Comment: This variant is classified as likely benign based on ACMG/AMP sequence variant interpretation guidelines (Richards et al. 2015 PMID: 25741868, with internal and published modifications).

Clinical Genetics, Academic Medical Center
Classification: Benign. Review status: no assertion criteria provided. Collection method: clinical testing. Allele origin: germline. Affected: yes. Study: VKGL Data-share Consensus. Not counted in ClinVar's aggregate classification.

Genome Diagnostics Laboratory, University Medical Center Utrecht
Classification: Likely benign. Review status: no assertion criteria provided. Collection method: clinical testing. Allele origin: germline. Affected: yes. Study: VKGL Data-share Consensus. Not counted in ClinVar's aggregate classification.